The following is an entry in ClinVar:

ClinVar aggregate classification (germline): Uncertain significance. Review status: criteria provided, multiple submitters, no conflicts (2 of 4 stars). 2 submissions from 2 submitters: Uncertain significance (2). Last evaluated 2024-12-04.

Conditions:
EPILEPSY, CHILDHOOD ABSENCE, SUSCEPTIBILITY TO, 2 (ECA2). Identifiers: Orphanet 64280, MedGen C1843244, OMIM 607681.
Febrile seizures, familial, 8 (FEB8). Also called: CONVULSIONS, FAMILIAL FEBRILE, 8. Identifiers: Orphanet 36387, MedGen C1969810, MONDO:0011891, OMIM 607681.
GABRG2-related disorder. Also called: GABRG2-related condition.

Submissions (2):

Labcorp Genetics (formerly Invitae), Labcorp
Classification: Uncertain significance for Febrile seizures, familial, 8; EPILEPSY, CHILDHOOD ABSENCE, SUSCEPTIBILITY TO, 2. Last evaluated: 2024-12-04. Review status: criteria provided, single submitter. Criteria: Invitae Variant Classification Sherloc (09022015). Collection method: clinical testing. Allele origin: germline.
Comment: This sequence change falls in intron 6 of the GABRG2 gene. It does not directly change the encoded amino acid sequence of the GABRG2 protein. It affects a nucleotide within the consensus splice site. This variant is not present in population databases (gnomAD no frequency). This variant has not been reported in the literature in individuals affected with GABRG2-related conditions. ClinVar contains an entry for this variant (Variation ID: 838796). Variants that disrupt the consensus splice site are a relatively common cause of aberrant splicing (PMID: 17576681, 9536098). Algorithms developed to predict the effect of sequence changes on RNA splicing suggest that this variant may disrupt the consensus splice site. In summary, the available evidence is currently insufficient to determine the role of this variant in disease. Therefore, it has been classified as a Variant of Uncertain Significance.

PreventionGenetics, part of Exact Sciences
Classification: Uncertain significance for GABRG2-related condition. Last evaluated: 2024-10-21. Review status: criteria provided, single submitter. Criteria: ACMG Guidelines, 2015. Collection method: clinical testing. Allele origin: germline.
Comment: The GABRG2 c.769+5G>C variant is predicted to interfere with splicing. This variant is predicted to alter the nearby canonical splice donor site signal (Alamut Visual Plus v1.6.1; SpliceAI, Jaganathan et al. 2019. PubMed ID: 30661751). To our knowledge, this variant has not been reported in the literature or in a large population database (gnomAD), indicating this variant is rare. At this time, the clinical significance of this variant is uncertain due to the absence of conclusive functional and genetic evidence.

Literature cited by the submitters: PubMed 17576681 (cited by Labcorp Genetics (formerly Invitae), Labcorp); PubMed 9536098 (cited by Labcorp Genetics (formerly Invitae), Labcorp).

NM_198904.4(GABRG2):c.769+5G>C

Gene: GABRG2 (gamma-aminobutyric acid type A receptor subunit gamma2; plus strand). Cytogenetic location: 5q34.
Variant type: single nucleotide variant.
Coding change: c.769+5G>C on transcript NM_198904.4 (MANE Select); 5 bases into the intron after coding-DNA position 769, G replaced by C.
Molecular consequence: intron variant.
Genome position (GRCh38, 1-based): chr5:162,104,031, G>C. VCF-style: chr5-162104031-G-C. GRCh37 (hg19) VCF-style: chr5-161531037-G-C.
Other names: c.484+5G>C (NM_001375349.1); c.889+5G>C (NM_001375343.1, NM_198903.2); c.769+5G>C (NM_001375344.1, NM_001375340.1, NM_001375341.1 and 2 more transcripts); c.349+5G>C (NM_001375350.1, NM_001375348.1); c.760+5G>C (NM_001375339.1); c.703+5G>C (NM_001375346.1, NM_001375345.1); c.682+5G>C (NM_001375347.1).
Identifiers: ClinVar variation 838796 (VCV000838796.9), dbSNP rs1761626533, ClinGen allele CA916082795.
Genomic context (GRCh38, chr5:162,104,031, plus strand): 5'-TCAATTCTCATTTGTTGGTCTAAGAAATACCACCGAAGTAGTGAAGACAACTTCCGGTAA[G>C]ATGCACTGGCAAAGAATTTCAAGTGACCCTTCCAGAGTTGAAATTTTGGTATATATGAAT-3'